The following is an entry in ClinVar:

NM_003265.3(TLR3):c.2542A>G (p.Ile848Val)

Gene: TLR3 (toll like receptor 3; plus strand). Cytogenetic location: 4q35.1.
Variant type: single nucleotide variant.
Coding change: c.2542A>G on transcript NM_003265.3 (MANE Select); coding-DNA position 2542, A replaced by G.
Protein change: p.Ile848Val; replaces isoleucine 848 with valine.
Molecular consequence: missense variant.
Genome position (GRCh38, 1-based): chr4:186,084,700, A>G. VCF-style: chr4-186084700-A-G. GRCh37 (hg19) VCF-style: chr4-187005854-A-G.
Other names: short protein forms I848V.
Identifiers: ClinVar variation 3457051 (VCV003457051.2).

ClinVar aggregate classification (germline): Uncertain significance. Review status: criteria provided, multiple submitters, no conflicts (2 of 4 stars). 2 submissions from 2 submitters: Uncertain significance (2). Last evaluated 2026-01-02.

Conditions:
Encephalopathy, acute, infection-induced (herpes-specific), susceptibility to, 1. Also called: Herpes simplex encephalitis, susceptibility to, 1. Identifiers: Orphanet 1930, MedGen C2750180, MONDO:0024563, OMIM 610551.

gnomAD v4.1: 1 of 1,613,998 alleles (0.000062%); no homozygotes.

Submissions (2):

Labcorp Genetics (formerly Invitae), Labcorp
Classification: Uncertain significance for Encephalopathy, acute, infection-induced (herpes-specific), susceptibility to, 1. Last evaluated: 2026-01-02. Review status: criteria provided, single submitter. Criteria: Invitae Variant Classification Sherloc (09022015). Collection method: clinical testing. Allele origin: germline.
Comment: This sequence change replaces isoleucine, which is neutral and non-polar, with valine, which is neutral and non-polar, at codon 848 of the TLR3 protein (p.Ile848Val). This variant is not present in population databases (gnomAD no frequency). This variant has not been reported in the literature in individuals affected with TLR3-related conditions. ClinVar contains an entry for this variant (Variation ID: 3457051). An algorithm developed to predict the effect of missense changes on protein structure and function (PolyPhen-2) suggests that this variant is likely to be tolerated. In summary, the available evidence is currently insufficient to determine the role of this variant in disease. Therefore, it has been classified as a Variant of Uncertain Significance.

Ambry Genetics
Classification: Uncertain significance. Last evaluated: 2024-10-08. Review status: criteria provided, single submitter. Criteria: Ambry Variant Classification Scheme 2023. Collection method: clinical testing. Allele origin: germline.